The following is an entry in ClinVar:

ClinVar aggregate classification (germline): Uncertain significance. Review status: criteria provided, multiple submitters, no conflicts (2 of 4 stars). 2 submissions from 2 submitters: Uncertain significance (2). Last evaluated 2025-04-29.

Conditions:
Inborn genetic diseases. Identifiers: MedGen C0950123, MeSH D030342.
Psoriasis 2. Identifiers: MedGen C1864497, MONDO:0011269, OMIM 602723.
Pityriasis rubra pilaris (PRP). Also called: Pityriasis rubra pilaris--familial type. Identifiers: Orphanet 2897, MedGen C0032027, MONDO:0100017, OMIM 173200, MONDO:0008251.

Allele frequency attached by ClinVar (database versions not stated): gnomAD exomes below 0.00001.
gnomAD v4.1: 3 of 1,576,974 alleles (0.00019%); highest among the groups gnomAD compares: Non-Finnish European, 0.00026%; no homozygotes.

Submissions (2):

Ambry Genetics
Classification: Uncertain significance for Inborn genetic diseases. Last evaluated: 2025-04-29. Review status: criteria provided, single submitter. Criteria: Ambry Variant Classification Scheme 2023. Collection method: clinical testing. Allele origin: germline.

Labcorp Genetics (formerly Invitae), Labcorp
Classification: Uncertain significance for Pityriasis rubra pilaris; Psoriasis 2. Last evaluated: 2023-12-19. Review status: criteria provided, single submitter. Criteria: Invitae Variant Classification Sherloc (09022015). Collection method: clinical testing. Allele origin: germline.
Comment: This sequence change replaces arginine, which is basic and polar, with tryptophan, which is neutral and slightly polar, at codon 7 of the CARD14 protein (p.Arg7Trp). This variant is not present in population databases (gnomAD no frequency). This variant has not been reported in the literature in individuals affected with CARD14-related conditions. An algorithm developed to predict the effect of missense changes on protein structure and function (PolyPhen-2) suggests that this variant is likely to be tolerated. In summary, the available evidence is currently insufficient to determine the role of this variant in disease. Therefore, it has been classified as a Variant of Uncertain Significance.

NM_001366385.1(CARD14):c.19A>T (p.Arg7Trp)

Gene: CARD14 (caspase recruitment domain family member 14; plus strand). Cytogenetic location: 17q25.3.
Variant type: single nucleotide variant.
Coding change: c.19A>T on transcript NM_001366385.1 (MANE Select); coding-DNA position 19, A replaced by T.
Protein change: p.Arg7Trp; replaces arginine 7 with tryptophan.
Molecular consequence: missense variant. On other transcripts: non-coding transcript variant (1).
Genome position (GRCh38, 1-based): chr17:80,181,457, A>T. VCF-style: chr17-80181457-A-T. GRCh37 (hg19) VCF-style: chr17-78155256-A-T.
Other names: c.19A>T, p.Arg7Trp (NM_001257970.1, NM_024110.4); c.19A>T (NM_024110.3); short protein forms R7W.
Identifiers: ClinVar variation 2934956 (VCV002934956.4), dbSNP rs944902861, ClinGen allele CA401352803.